The following is an entry in ClinVar:

NM_001005242.3(PKP2):c.2438A>T (p.Tyr813Phe)

Gene: PKP2 (plakophilin 2; minus strand). Cytogenetic location: 12p11.21.
Variant type: single nucleotide variant.
Coding change: c.2438A>T on transcript NM_001005242.3 (MANE Select); coding-DNA position 2438, A replaced by T.
Protein change: p.Tyr813Phe; replaces tyrosine 813 with phenylalanine.
Molecular consequence: missense variant.
Genome position (GRCh38, 1-based): chr12:32,792,651, T>A on the plus strand (A>T on the coding strand, the complement: PKP2 is on the minus strand). VCF-style: chr12-32792651-T-A. GRCh37 (hg19) VCF-style: chr12-32945585-T-A.
Other names: c.2570A>T, p.Tyr857Phe (NM_004572.4); short protein forms Y857F, Y813F.
Identifiers: ClinVar variation 518248 (VCV000518248.6), dbSNP rs751287217, ClinGen allele CA035909.

ClinVar aggregate classification (germline): Uncertain significance. Review status: criteria provided, single submitter (1 of 4 stars). 3 submissions from 3 submitters: Uncertain significance (1). 2 of the submissions do not count toward it. Last evaluated 2024-12-03.

Conditions:
Arrhythmogenic right ventricular dysplasia 9 (ARVD9). Also called: Arrhythmogenic Right Ventricular Dysplasia/Cardiomyopathy 9; ARRHYTHMOGENIC RIGHT VENTRICULAR DYSPLASIA, FAMILIAL, 9. Identifiers: MedGen C1836906, MONDO:0012180, OMIM 609040.

Allele frequency attached by ClinVar (database versions not stated): gnomAD exomes below 0.00001; ExAC 0.00001; gnomAD 0.00001.
gnomAD v4.1: 4 of 1,613,448 alleles (0.00025%); highest among the groups gnomAD compares: Non-Finnish European, 0.00034%; no homozygotes.

Submissions (3):

Labcorp Genetics (formerly Invitae), Labcorp
Classification: Uncertain significance for Arrhythmogenic right ventricular dysplasia 9. Last evaluated: 2024-12-03. Review status: criteria provided, single submitter. Criteria: Invitae Variant Classification Sherloc (09022015). Collection method: clinical testing. Allele origin: germline.
Comment: This sequence change replaces tyrosine, which is neutral and polar, with phenylalanine, which is neutral and non-polar, at codon 857 of the PKP2 protein (p.Tyr857Phe). This variant is present in population databases (rs751287217, gnomAD 0.0009%). This missense change has been observed in individual(s) with dilated cardiomyopathy (PMID: 30847666). ClinVar contains an entry for this variant (Variation ID: 518248). An algorithm developed to predict the effect of missense changes on protein structure and function outputs the following: PolyPhen-2: "Benign". The phenylalanine amino acid residue is found in multiple mammalian species, which suggests that this missense change does not adversely affect protein function. In summary, the available evidence is currently insufficient to determine the role of this variant in disease. Therefore, it has been classified as a Variant of Uncertain Significance.

Clinical Genetics, Academic Medical Center
Classification: Uncertain significance. Review status: no assertion criteria provided. Collection method: clinical testing. Allele origin: germline. Affected: yes. Study: VKGL Data-share Consensus. Not counted in ClinVar's aggregate classification.

Diagnostic Laboratory, Department of Genetics, University Medical Center Groningen
Classification: Uncertain significance for Arrhythmogenic right ventricular dysplasia 9. Review status: no assertion criteria provided. Collection method: clinical testing. Allele origin: germline. Affected: yes. Study: VKGL Data-share Consensus. Not counted in ClinVar's aggregate classification.

Literature cited by the submitters: PubMed 30847666 (cited by Labcorp Genetics (formerly Invitae), Labcorp).